The following is an entry in ClinVar:

ClinVar aggregate classification (germline): Uncertain significance (1 of 4 stars; one submission).

Conditions:
Primary immunodeficiency with post-measles-mumps-rubella vaccine viral infection. Also called: Immunodeficiency 44. Identifiers: Orphanet 431166, MedGen C4225260, MONDO:0014715, OMIM 616636.

Submission:

Labcorp Genetics (formerly Invitae), Labcorp
Classification: Uncertain significance for Primary immunodeficiency with post-measles-mumps-rubella vaccine viral infection. Last evaluated: 2022-07-19. Review status: criteria provided, single submitter. Criteria: Invitae Variant Classification Sherloc (09022015). Collection method: clinical testing. Allele origin: germline.
Comment: This variant results in a copy number gain of the genomic region encompassing exon(s) 23-24 of the STAT2 gene. This region includes the termination codon of the gene. This copy number gain extends beyond the assayed region for this gene and therefore may encompass additional genes. As the precise location of this event is unknown, it may be in tandem or it may be located elsewhere in the genome. This variant has not been reported in the literature in individuals affected with STAT2-related conditions. In summary, the available evidence is currently insufficient to determine the role of this variant in disease. Therefore, it has been classified as a Variant of Uncertain Significance.

NC_000012.11:g.(?_56737153)_(56737939_?)dup

Gene: STAT2 (signal transducer and activator of transcription 2; minus strand). Cytogenetic location: 12q13.3.
Variant type: Duplication.
Identifiers: ClinVar variation 658970 (VCV000658970.5).